The following is an entry in ClinVar:

ClinVar aggregate classification (germline): Conflicting classifications of pathogenicity. Review status: criteria provided, conflicting classifications (1 of 4 stars). 3 submissions from 3 submitters: Uncertain significance (2); Likely benign (1). Last evaluated 2026-08-07.

Conditions:
COLGALT1-related disorder. Also called: COLGALT1-related condition.
Inborn genetic diseases. Identifiers: MedGen C0950123, MeSH D030342.

Allele frequency attached by ClinVar (database versions not stated): TOPMed 0.00029; ExAC 0.00033; gnomAD 0.00034; gnomAD exomes 0.00040; 1000 Genomes Project 0.00080; 1000 Genomes Project 30x 0.00109.
gnomAD v4.1: 604 of 1,552,648 alleles (0.039%); highest among the groups gnomAD compares: Non-Finnish European, 0.049%; 1 homozygote.

Submissions (3):

PreventionGenetics, part of Exact Sciences
Classification: Uncertain significance for COLGALT1-related condition. Last evaluated: 2026-08-07. Review status: criteria provided, single submitter. Criteria: ACMG Guidelines, 2015. Collection method: clinical testing. Allele origin: germline.
Comment: The COLGALT1 c.295A>G variant is predicted to result in the amino acid substitution p.Thr99Ala. To our knowledge, this variant has not been reported in the literature. This variant is reported in 0.052% of alleles in individuals of European (Non-Finnish) descent in gnomAD. Although we suspect that this variant may be benign, at this time, the clinical significance of this variant is uncertain due to the absence of conclusive functional and genetic evidence.

Labcorp Genetics (formerly Invitae), Labcorp
Classification: Uncertain significance. Last evaluated: 2025-04-29. Review status: criteria provided, single submitter. Criteria: Invitae Variant Classification Sherloc (09022015). Collection method: clinical testing. Allele origin: germline.
Comment: This sequence change replaces threonine, which is neutral and polar, with alanine, which is neutral and non-polar, at codon 99 of the COLGALT1 protein (p.Thr99Ala). This variant is present in population databases (rs202232301, gnomAD 0.05%). This variant has not been reported in the literature in individuals affected with COLGALT1-related conditions. ClinVar contains an entry for this variant (Variation ID: 2052443). Invitae Evidence Modeling of protein sequence and biophysical properties (such as structural, functional, and spatial information, amino acid conservation, physicochemical variation, residue mobility, and thermodynamic stability) indicates that this missense variant is not expected to disrupt COLGALT1 protein function with a negative predictive value of 80%. In summary, the available evidence is currently insufficient to determine the role of this variant in disease. Therefore, it has been classified as a Variant of Uncertain Significance.

Ambry Genetics
Classification: Likely benign for Inborn genetic diseases. Last evaluated: 2024-11-13. Review status: criteria provided, single submitter. Criteria: Ambry Variant Classification Scheme 2023. Collection method: clinical testing. Allele origin: germline.

NM_024656.4(COLGALT1):c.295A>G (p.Thr99Ala)

Gene: COLGALT1 (collagen beta(1-O)galactosyltransferase 1; plus strand). Cytogenetic location: 19p13.11.
Variant type: single nucleotide variant.
Coding change: c.295A>G on transcript NM_024656.4 (MANE Select); coding-DNA position 295, A replaced by G.
Protein change: p.Thr99Ala; replaces threonine 99 with alanine.
Molecular consequence: missense variant.
Genome position (GRCh38, 1-based): chr19:17,559,345, A>G. VCF-style: chr19-17559345-A-G. GRCh37 (hg19) VCF-style: chr19-17670154-A-G.
Other names: c.295A>G (NM_024656.2, NM_024656.3); short protein forms T99A.
Identifiers: ClinVar variation 2052443 (VCV002052443.5), dbSNP rs202232301, ClinGen allele CA9296854.
Genomic context (GRCh38, chr19:17,559,345, plus strand): 5'-ACGCTGCCTGTCCCCTCTCCCTGCAGGGTGGCTACGGACCACAACATGGATAACACGTCA[A>G]CTGTGCTGCGGGAGTGGCTGGTGGCCGTGAAGAGTTTGTACCATTCCGTGGAGTGGCGGC-3'
Protein context (NP_078932.2, residues 89-109): ATDHNMDNTS[Thr99Ala]VLREWLVAVK